The following is an entry in ClinVar:

NM_000263.4(NAGLU):c.1557G>A (p.Arg519=)

Gene: NAGLU (N-acetyl-alpha-glucosaminidase; plus strand). Cytogenetic location: 17q21.2.
Variant type: single nucleotide variant.
Coding change: c.1557G>A on transcript NM_000263.4 (MANE Select); coding-DNA position 1557, G replaced by A.
Protein change: p.Arg519=; no amino-acid change (arginine 519 retained).
Molecular consequence: synonymous variant.
Genome position (GRCh38, 1-based): chr17:42,543,563, G>A. VCF-style: chr17-42543563-G-A. GRCh37 (hg19) VCF-style: chr17-40695581-G-A.
Identifiers: ClinVar variation 725377 (VCV000725377.18), dbSNP rs150905331, ClinGen allele CA8577051.

ClinVar aggregate classification (germline): Conflicting classifications of pathogenicity. Review status: criteria provided, conflicting classifications (1 of 4 stars). 5 submissions from 5 submitters: Uncertain significance (1); Benign (1); Likely benign (1). 2 of the submissions do not count toward it. Last evaluated 2026-01-24.

Conditions:
Charcot-Marie-Tooth disease axonal type 2V. Also called: CHARCOT-MARIE-TOOTH NEUROPATHY, TYPE 2V; CHARCOT-MARIE-TOOTH DISEASE, AXONAL, AUTOSOMAL DOMINANT, TYPE 2V. Identifiers: Orphanet 447964, MedGen C5569050, MONDO:0014665, OMIM 616491.
Mucopolysaccharidosis, MPS-III-B (MPS3B). Also called: MUCOPOLYSACCHARIDOSIS, TYPE IIIB; N-ACETYL-ALPHA-D-GLUCOSAMINIDASE DEFICIENCY; NAGLU DEFICIENCY; SANFILIPPO SYNDROME B; MPS III B; MPS IIIB (Sanfilippo Syndrome Type B). Identifiers: Orphanet 79270, MedGen C0086648, MONDO:0009656, OMIM 252920.
NAGLU-related disorder. Also called: NAGLU-related condition.

Allele frequency attached by ClinVar (database versions not stated): gnomAD 0.00038 and 0.00040; ExAC 0.00048; gnomAD exomes 0.00062 and 0.00029; TOPMed 0.00039; ESP Exome Variant Server 0.00077.

Submissions (5):

Labcorp Genetics (formerly Invitae), Labcorp
Classification: Benign for Charcot-Marie-Tooth disease axonal type 2V; Mucopolysaccharidosis, MPS-III-B. Last evaluated: 2026-01-24. Review status: criteria provided, single submitter. Criteria: Invitae Variant Classification Sherloc (09022015). Collection method: clinical testing. Allele origin: germline.

Blueprint Genetics
Classification: Likely benign. Last evaluated: 2024-10-23. Review status: criteria provided, single submitter. Criteria: ACMG Guidelines, 2015. Collection method: clinical testing. Allele origin: germline.

Illumina Laboratory Services, Illumina
Classification: Uncertain significance for Mucopolysaccharidosis, MPS-III-B. Last evaluated: 2017-04-27. Review status: criteria provided, single submitter. Criteria: ICSL Variant Classification Criteria 13 December 2019. Collection method: clinical testing. Allele origin: germline.

PreventionGenetics, part of Exact Sciences
Classification: Likely benign for NAGLU-related condition. Last evaluated: 2024-09-06. Review status: no assertion criteria provided. Collection method: clinical testing. Allele origin: germline. Not counted in ClinVar's aggregate classification.
Comment: This variant is classified as likely benign based on ACMG/AMP sequence variant interpretation guidelines (Richards et al. 2015 PMID: 25741868, with internal and published modifications).

Natera, Inc.
Classification: Benign for Mucopolysaccharidosis type IIIB. Last evaluated: 2020-05-05. Review status: no assertion criteria provided. Collection method: clinical testing. Allele origin: germline. Not counted in ClinVar's aggregate classification.